The following is an entry in ClinVar:

NM_001009615.3(SPANXN2):c.423G>A (p.Leu141=)

Gene: SPANXN2 (SPANX family member N2; minus strand). Cytogenetic location: Xq27.3.
Variant type: single nucleotide variant.
Coding change: c.423G>A on transcript NM_001009615.3 (MANE Select); coding-DNA position 423, G replaced by A.
Protein change: p.Leu141=; no amino-acid change (leucine 141 retained).
Molecular consequence: synonymous variant.
Genome position (GRCh38, 1-based): chrX:143,712,155, C>T on the plus strand (G>A on the coding strand, the complement: SPANXN2 is on the minus strand). VCF-style: chrX-143712155-C-T. GRCh37 (hg19) VCF-style: chrX-142795255-C-T.
Identifiers: ClinVar variation 2661580 (VCV002661580.24), dbSNP rs782287230, ClinGen allele CA10534761.
Genomic context (GRCh38, chrX:143,712,155, plus strand): 5'-TGAAGATCCTTCAGGTGGGTCCAGGTCTTCGTCCTCCTGTGAAGATCCTTCAGATGAGTC[C>T]AGGTCTTCGTCCTCCTGTGAAGATCCTTCAGATGAGTCCAGGTCTTCGTCCTCCTGTGAA-3'
Protein context (NP_001009615.1, residues 131-151): SEGSSQEDED[Leu141=]DSSEGSSQED

ClinVar aggregate classification (germline): Likely benign (1 of 4 stars; one submission).

Allele frequency attached by ClinVar (database versions not stated): ExAC 0.00003.

Submission:

CeGaT Center for Human Genetics Tuebingen
Classification: Likely benign. Last evaluated: 2023-07-01. Review status: criteria provided, single submitter. Criteria: CeGaT Center For Human Genetics Tuebingen Variant Classification Criteria Version 2. Collection method: clinical testing. Allele origin: germline. Affected: yes. Observed: 2 variant alleles.
Comment: SPANXN2: BP4, BP7